The following is an entry in ClinVar:

NM_001267550.2(TTN):c.99502G>T (p.Glu33168Ter)

Genes: TTN (titin; minus strand), TTN-AS1 (TTN antisense RNA 1; plus strand). Cytogenetic location: 2q31.2.
Variant type: single nucleotide variant.
Coding change: c.99502G>T on transcript NM_001267550.2 (MANE Select); coding-DNA position 99502, G replaced by T.
Protein change: p.Glu33168Ter; replaces glutamic acid 33168 with a stop codon.
Molecular consequence: nonsense.
Genome position (GRCh38, 1-based): chr2:178,537,705, C>A on the plus strand (G>T on the coding strand, the complement: TTN is on the minus strand). VCF-style: chr2-178537705-C-A. GRCh37 (hg19) VCF-style: chr2-179402432-C-A.
Other names: c.94579G>T, p.Glu31527Ter (NM_001256850.1); c.72307G>T, p.Glu24103Ter (NM_003319.4); c.91798G>T, p.Glu30600Ter (NM_133378.4); c.72682G>T, p.Glu24228Ter (NM_133432.3); c.72883G>T, p.Glu24295Ter (NM_133437.4); short protein forms E31527*, E33168*, E24103*, E30600*, E24295*, E24228*.
Identifiers: ClinVar variation 421212 (VCV000421212.2), dbSNP rs1064794982, ClinGen allele CA16617331.
Genomic context (GRCh38, chr2:178,537,705, plus strand): 5'-GCTTACTACTGGTTTCTACTTCTCCAACCTCATTGGTGGCTATGCAGGTATAAACACCTT[C>A]ATCTTCCTGTTCCTCTGTCATTACTGTAAGAGTGTGTGTGCGTCCATCTGAAGACATTTT-3'

ClinVar aggregate classification (germline): Likely pathogenic (1 of 4 stars; one submission).

Submission:

GeneDx
Classification: Likely pathogenic. Last evaluated: 2019-01-04. Review status: criteria provided, single submitter. Criteria: GeneDx Variant Classification (06012015). Collection method: clinical testing. Allele origin: germline. Affected: yes.
Comment: The E31527X variant in the TTN gene has not been reported as a pathogenic variant or a benign variant, to our knowledge. This variant was not observed in approximately 6100 individuals of European and African American ancestry in the NHLBI Exome Sequencing Project. The E31527X variant is predicted to cause loss of normal protein function either through protein truncation or nonsense-mediated mRNA decay. Although, truncating TTN variants have been reported in approximately 3% of control alleles (Herman D et al., 2012), E31527X is located in the A-band region of titin, where the majority of pathogenic truncating variants associated with dilated cardiomyopathy have been reported (Herman D et al., 2012). Therefore, we interpret E31527X as likely pathogenic variant.